The following is an entry in ClinVar:

NM_004424.5(E4F1):c.430A>C (p.Lys144Gln)

Gene: E4F1 (E4F transcription factor 1; plus strand). Cytogenetic location: 16p13.3.
Variant type: single nucleotide variant.
Coding change: c.430A>C on transcript NM_004424.5 (MANE Select); coding-DNA position 430, A replaced by C.
Protein change: p.Lys144Gln; replaces lysine 144 with glutamine.
Molecular consequence: missense variant.
Genome position (GRCh38, 1-based): chr16:2,232,185, A>C. VCF-style: chr16-2232185-A-C. GRCh37 (hg19) VCF-style: chr16-2282186-A-C.
Other names: c.430A>C, p.Lys144Gln (NM_001288776.2, NM_001288778.2); short protein forms K144Q.
Identifiers: ClinVar variation 3362257 (VCV003362257.2).

ClinVar aggregate classification (germline): Likely pathogenic (1 of 4 stars; one submission).

Conditions:
Pyruvate dehydrogenase complex deficiency (PDHC). Also called: Pyruvate Dehydrogenase Complex Deficiency Disease; Pyruvate dehydrogenase deficiency; Ataxia with lactic acidosis 1; PYRUVATE DECARBOXYLASE DEFICIENCY; PDH DEFICIENCY. Identifiers: Orphanet 765, Orphanet 79243, MedGen C0034345, MONDO:0019169.

gnomAD v4.1: 3 of 1,612,110 alleles (0.00019%); highest among the groups gnomAD compares: Non-Finnish European, 0.00025%; no homozygotes.

Submission:

Lab of Neurogenetics and Mitochondrial Disorders, Fondazione IRCCS Istituto Neurologico Besta
Classification: Likely pathogenic for Pyruvate dehydrogenase complex deficiency. Last evaluated: 2024-09-23. Review status: criteria provided, single submitter. Criteria: ACMG Guidelines, 2015. Collection method: research. Allele origin: germline. Affected: yes. Observed: 2 variant alleles.
Comment: This missense variant is classified as VUS (PM2, BP4) but functional studies showed a reduced expression for some genes regulated by E4F1 (PS3_mod). Moreover, it was detected in homozygous state (PM3) in two affected siblings. Overall, our final classification for this variant was: Likely pathogenic

Literature cited by the submitters: PubMed 26968897.